The following is an entry in ClinVar:

NM_001567.4(INPPL1):c.803del (p.Leu268fs)

Gene: INPPL1 (inositol polyphosphate phosphatase like 1; plus strand). Cytogenetic location: 11q13.4.
Variant type: Deletion.
Coding change: c.803del on transcript NM_001567.4 (MANE Select); coding-DNA position 803, one base deleted (T; older notation c.803delT).
Protein change: p.Leu268fs; shifts the reading frame from leucine 268.
Molecular consequence: frameshift variant.
Genome position (GRCh38, 1-based): chr11:72,229,712, T deleted. VCF-style (leftmost placement, unchanged base first): chr11-72229711-CT-C. GRCh37 (hg19) VCF-style: chr11-71940755-CT-C.
Other names: c.869del, p.Leu290fs (NM_001440434.1); c.803del, p.Leu268fs (NM_001440435.1, NM_001440436.1, NM_001440438.1); c.662del, p.Leu221fs (NM_001440437.1); short protein forms L268fs, L221fs, L290fs.
Identifiers: ClinVar variation 4730457 (VCV004730457.1).

ClinVar aggregate classification (germline): Pathogenic (1 of 4 stars; one submission).

Submission:

Labcorp Genetics (formerly Invitae), Labcorp
Classification: Pathogenic. Last evaluated: 2025-11-09. Review status: criteria provided, single submitter. Criteria: Invitae Variant Classification Sherloc (09022015). Collection method: clinical testing. Allele origin: germline.
Comment: This sequence change creates a premature translational stop signal (p.Leu268Argfs*4) in the INPPL1 gene. It is expected to result in an absent or disrupted protein product. Loss-of-function variants in INPPL1 are known to be pathogenic (PMID: 23273567, 23273569). This variant is not present in population databases (gnomAD no frequency). This variant has not been reported in the literature in individuals affected with INPPL1-related conditions. Algorithms developed to predict the effect of sequence changes on RNA splicing suggest that this variant may disrupt the consensus splice site. For these reasons, this variant has been classified as Pathogenic.

Literature cited by the submitters: PubMed 23273567; PubMed 23273569.